The following is an entry in ClinVar:

ClinVar aggregate classification (germline): Uncertain significance (1 of 4 stars; one submission).

Conditions:
Myopathy, proximal, and ophthalmoplegia (CMYO6). Also called: INCLUSION BODY MYOPATHY 3, AUTOSOMAL DOMINANT; MYOPATHY WITH CONGENITAL JOINT CONTRACTURES, OPHTHALMOPLEGIA, AND RIMMED VACUOLES; CONGENITAL MYOPATHY 6 WITH OPHTHALMOPLEGIA. Identifiers: Orphanet 363677, Orphanet 79091, MedGen C1854106, MONDO:0011577, OMIM 605637.

Allele frequency attached by ClinVar (database versions not stated): gnomAD 0.00001; TOPMed 0.00001; ExAC 0.00002; ESP Exome Variant Server 0.00008.
gnomAD v4.1: 4 of 1,613,590 alleles (0.00025%); highest among the groups gnomAD compares: Non-Finnish European, 0.00034%; no homozygotes.

Submission:

Labcorp Genetics (formerly Invitae), Labcorp
Classification: Uncertain significance for Myopathy, proximal, and ophthalmoplegia. Last evaluated: 2022-06-20. Review status: criteria provided, single submitter. Criteria: Invitae Variant Classification Sherloc (09022015). Collection method: clinical testing. Allele origin: germline.
Comment: This sequence change falls in intron 30 of the MYH2 gene. It does not directly change the encoded amino acid sequence of the MYH2 protein. This variant is present in population databases (rs371720928, gnomAD 0.002%). This variant has not been reported in the literature in individuals affected with MYH2-related conditions. Algorithms developed to predict the effect of sequence changes on RNA splicing suggest that this variant may disrupt the consensus splice site. In summary, the available evidence is currently insufficient to determine the role of this variant in disease. Therefore, it has been classified as a Variant of Uncertain Significance.

NM_017534.6(MYH2):c.4188-11T>G

Genes: MYH2 (myosin heavy chain 2; minus strand), MYHAS (myosin heavy chain gene cluster antisense RNA; plus strand). Cytogenetic location: 17p13.1.
Variant type: single nucleotide variant.
Coding change: c.4188-11T>G on transcript NM_017534.6 (MANE Select); 11 bases into the intron before coding-DNA position 4188, T replaced by G.
Molecular consequence: intron variant.
Genome position (GRCh38, 1-based): chr17:10,525,887, A>C on the plus strand (T>G on the coding strand, the complement: MYH2 is on the minus strand). VCF-style: chr17-10525887-A-C. GRCh37 (hg19) VCF-style: chr17-10429204-A-C.
Other names: c.4188-11T>G (NM_001100112.2).
Identifiers: ClinVar variation 2199524 (VCV002199524.1), dbSNP rs371720928, ClinGen allele CA8390696.